The following is an entry in ClinVar:

ClinVar aggregate classification (germline): Likely benign (0 of 4 stars; one submission).

Conditions:
PDZD2-related disorder. Also called: PDZD2-related condition.

Allele frequency attached by ClinVar (database versions not stated): ExAC 0.00007; TOPMed 0.00007; gnomAD 0.00008; gnomAD exomes 0.00014; ESP Exome Variant Server 0.00015.
gnomAD v4.1: 211 of 1,613,946 alleles (0.013%); highest among the groups gnomAD compares: Non-Finnish European, 0.017%; no homozygotes.

Submission:

PreventionGenetics, part of Exact Sciences
Classification: Likely benign for PDZD2-related condition. Last evaluated: 2019-03-20. Review status: no assertion criteria provided. Collection method: clinical testing. Allele origin: germline.
Comment: This variant is classified as likely benign based on ACMG/AMP sequence variant interpretation guidelines (Richards et al. 2015 PMID: 25741868, with internal and published modifications).

NM_178140.4(PDZD2):c.4587T>C (p.Ser1529=)

Gene: PDZD2 (PDZ domain containing 2; plus strand). Cytogenetic location: 5p13.3.
Variant type: single nucleotide variant.
Coding change: c.4587T>C on transcript NM_178140.4 (MANE Select); coding-DNA position 4587, T replaced by C.
Protein change: p.Ser1529=; no amino-acid change (serine 1529 retained).
Molecular consequence: synonymous variant.
Genome position (GRCh38, 1-based): chr5:32,088,035, T>C. VCF-style: chr5-32088035-T-C. GRCh37 (hg19) VCF-style: chr5-32088141-T-C.
Identifiers: ClinVar variation 3047360 (VCV003047360.2), dbSNP rs148082852, ClinGen allele CA3219755.
Genomic context (GRCh38, chr5:32,088,035, plus strand): 5'-CGACAAACATTTTACTGTGAACAAAAACTTTCTGAGCAACTACTCTAGAAATTTTAGCAG[T>C]TTTCATGAAGACAGCACCTCCCTATCAGGCCTGGGTGACAGCACGGAGCCGTCTCTGTCA-3'
Protein context (NP_835260.2, residues 1519-1539): FLSNYSRNFS[Ser1529=]FHEDSTSLSG